The following is an entry in ClinVar:

ClinVar aggregate classification (germline): Pathogenic (1 of 4 stars; one submission).

Conditions:
Age related macular degeneration 4. Identifiers: MedGen C1853147, MONDO:0012540, OMIM 610698.

Submission:

Genomenon, Inc
Classification: Pathogenic for Age related macular degeneration 4. Last evaluated: 2026-09-17. Review status: criteria provided, single submitter. Criteria: Genomenon Sequence Variant Interpretation Standards - Updated. Collection method: curation. Allele origin: germline. Affected: yes.
Comment: CFH p.Met1? (c.3G>A) is a variant that disrupts the initiation codon leading to an altered or absent protein product. This variant has been observed in at least one proband affected with age-related macular degeneration (PMID: 29686068). It is absent or not present at a significant frequency in gnomAD. In conclusion, we classify CFH p.Met1? (c.3G>A) as a pathogenic variant.

Literature cited by the submitters: PubMed 29686068.

NM_000186.4(CFH):c.3G>A (p.Met1Ile)

Gene: CFH (complement factor H; plus strand). Cytogenetic location: 1q31.3.
Variant type: single nucleotide variant.
Coding change: c.3G>A on transcript NM_000186.4 (MANE Select); coding-DNA position 3, G replaced by A.
Protein change: p.Met1Ile; changes the start codon (methionine 1).
Molecular consequence: missense variant, initiator codon variant.
Genome position (GRCh38, 1-based): chr1:196,652,120, G>A. VCF-style: chr1-196652120-G-A. GRCh37 (hg19) VCF-style: chr1-196621250-G-A.
Other names: c.3G>A, p.Met1Ile (NM_001014975.3); short protein forms M1I.
Identifiers: ClinVar variation 4976842 (VCV004976842.1).